The following is an entry in ClinVar:

ClinVar aggregate classification (germline): Conflicting classifications of pathogenicity. Review status: criteria provided, conflicting classifications (1 of 4 stars). 2 submissions from 2 submitters: Pathogenic (1); Uncertain significance (1). Last evaluated 2024-10-03.

Conditions:
KCNH1 associated disorder. Identifiers: MedGen CN311519, MONDO:0100485.

Submissions (2):

Labcorp Genetics (formerly Invitae), Labcorp
Classification: Uncertain significance. Last evaluated: 2024-10-03. Review status: criteria provided, single submitter. Criteria: Invitae Variant Classification Sherloc (09022015). Collection method: clinical testing. Allele origin: germline.
Comment: This sequence change replaces glycine, which is neutral and non-polar, with glutamic acid, which is acidic and polar, at codon 375 of the KCNH1 protein (p.Gly375Glu). This variant is not present in population databases (gnomAD no frequency). This variant has not been reported in the literature in individuals affected with KCNH1-related conditions. Invitae Evidence Modeling of protein sequence and biophysical properties (such as structural, functional, and spatial information, amino acid conservation, physicochemical variation, residue mobility, and thermodynamic stability) has been performed for this missense variant. However, the output from this modeling did not meet the statistical confidence thresholds required to predict the impact of this variant on KCNH1 protein function. This variant disrupts the p.Gly375 amino acid residue in KCNH1. Other variant(s) that disrupt this residue have been determined to be pathogenic (PMID: 25915598, 27282200). This suggests that this residue is clinically significant, and that variants that disrupt this residue are likely to be disease-causing. In summary, the available evidence is currently insufficient to determine the role of this variant in disease. Therefore, it has been classified as a Variant of Uncertain Significance.

Victorian Clinical Genetics Services, Murdoch Childrens Research Institute
Classification: Pathogenic for KCNH1 associated disorder. Last evaluated: 2024-09-23. Review status: criteria provided, single submitter. Criteria: ACMG Guidelines, 2015. Collection method: clinical testing. Allele origin: germline. Inheritance: Autosomal dominant inheritance. Affected: yes.
Comment: Based on the classification scheme VCGS_Germline_v1.3.4, this variant is classified as Pathogenic. Following criteria are met: 0101 - Gain of function is a known mechanism of disease in this gene and is associated with Temple-Baraitser syndrome 611816) and Zimmermann-Laband syndrome 1 (MIM#135500). Functional studies in Xenopus oocytes showed that variants in this gene caused a decreased threshold of activation and delayed deactivation compared to wildtype (OMIM). (I) 0107 - This gene is associated with autosomal dominant disease. (I) 0200 - Variant is predicted to result in a missense amino acid change from glycine to glutamic acid. (I) 0251 - This variant is heterozygous. (I) 0301 - Variant is absent from gnomAD (both v2 and v3). (SP) 0501 - Missense variant consistently predicted to be damaging by multiple in silico tools or highly conserved with a major amino acid change. (SP) 0603 - Missense variant in a region that is highly intolerant to missense variation (high constraint region in DECIPHER). (SP) 0703 - Another missense variant comparable to the one identified in this case has moderate previous evidence for pathogenicity. p.(Gly375Arg) has been observed as de novo in at least two individuals with KCNH1-related features (ClinVar, PMID: 25915598, 27267311). (SP) 0807 - This variant has no previous evidence of pathogenicity. (I) 0905 - No published segregation evidence has been identified for this variant. (I) 1007 - No published functional evidence has been identified for this variant. (SP) Legend: (SP) - Supporting pathogenic, (I) - Information, (SB) - Supporting benign

Literature cited by the submitters: PubMed 25915598 (cited by Labcorp Genetics (formerly Invitae), Labcorp and Victorian Clinical Genetics Services, Murdoch Childrens Research Institute); PubMed 27282200 (cited by Labcorp Genetics (formerly Invitae), Labcorp); PubMed 27267311 (cited by Victorian Clinical Genetics Services, Murdoch Childrens Research Institute).

NM_172362.3(KCNH1):c.1124G>A (p.Gly375Glu)

Gene: KCNH1 (potassium voltage-gated channel subfamily H member 1; minus strand). Cytogenetic location: 1q32.2.
Variant type: single nucleotide variant.
Coding change: c.1124G>A on transcript NM_172362.3 (MANE Select); coding-DNA position 1124, G replaced by A.
Protein change: p.Gly375Glu; replaces glycine 375 with glutamic acid.
Molecular consequence: missense variant.
Genome position (GRCh38, 1-based): chr1:210,919,978, C>T on the plus strand (G>A on the coding strand, the complement: KCNH1 is on the minus strand). VCF-style: chr1-210919978-C-T. GRCh37 (hg19) VCF-style: chr1-211093320-C-T.
Other names: c.1124G>A (NM_172362.2); c.1043G>A, p.Gly348Glu (NM_002238.4); short protein forms G375E, G348E.
Identifiers: ClinVar variation 2858450 (VCV002858450.5), dbSNP rs2527120727, ClinGen allele CA344873882.